The following is an entry in ClinVar:

NM_022716.4(PRRX1):c.15C>T (p.Tyr5=)

Gene: PRRX1 (paired related homeobox 1; plus strand). Cytogenetic location: 1q24.2.
Variant type: single nucleotide variant.
Coding change: c.15C>T on transcript NM_022716.4 (MANE Select); coding-DNA position 15, C replaced by T.
Protein change: p.Tyr5=; no amino-acid change (tyrosine 5 retained).
Molecular consequence: synonymous variant.
Genome position (GRCh38, 1-based): chr1:170,664,233, C>T. VCF-style: chr1-170664233-C-T. GRCh37 (hg19) VCF-style: chr1-170633374-C-T.
Other names: c.15C>T, p.Tyr5= (NM_006902.5).
Identifiers: ClinVar variation 3051369 (VCV003051369.2), dbSNP rs138970767, ClinGen allele CA1239415.

ClinVar aggregate classification (germline): Likely benign (0 of 4 stars; one submission).

Conditions:
PRRX1-related disorder. Also called: PRRX1-related condition.

Allele frequency attached by ClinVar (database versions not stated): gnomAD exomes 0.00003; ExAC 0.00015; 1000 Genomes Project 0.00020; gnomAD 0.00037; ESP Exome Variant Server 0.00038; TOPMed 0.00043; 1000 Genomes Project 30x 0.00047.
gnomAD v4.1: 101 of 1,611,430 alleles (0.0063%); highest among the groups gnomAD compares: African/African-American, 0.12%; no homozygotes.

Submission:

PreventionGenetics, part of Exact Sciences
Classification: Likely benign for PRRX1-related condition. Last evaluated: 2023-11-22. Review status: no assertion criteria provided. Collection method: clinical testing. Allele origin: germline.
Comment: This variant is classified as likely benign based on ACMG/AMP sequence variant interpretation guidelines (Richards et al. 2015 PMID: 25741868, with internal and published modifications).